The following is an entry in ClinVar:

NM_000238.4(KCNH2):c.2072A>G (p.Asn691Ser)

Gene: KCNH2 (potassium voltage-gated channel subfamily H member 2; minus strand). Cytogenetic location: 7q36.1.
Variant type: single nucleotide variant.
Coding change: c.2072A>G on transcript NM_000238.4 (MANE Select); coding-DNA position 2072, A replaced by G.
Protein change: p.Asn691Ser; replaces asparagine 691 with serine.
Molecular consequence: missense variant. On other transcripts: non-coding transcript variant (2).
Genome position (GRCh38, 1-based): chr7:150,950,994, T>C on the plus strand (A>G on the coding strand, the complement: KCNH2 is on the minus strand). VCF-style: chr7-150950994-T-C. GRCh37 (hg19) VCF-style: chr7-150648082-T-C.
Other names: c.1052A>G, p.Asn351Ser (NM_001204798.2, NM_172057.3); c.1784A>G, p.Asn595Ser (NM_001406753.1, NM_001406756.1); c.1895A>G, p.Asn632Ser (NM_001406755.1); c.1772A>G, p.Asn591Ser (NM_001406757.1); c.2072A>G, p.Asn691Ser (NM_172056.3); short protein forms N591S, N351S, N691S, N595S, N632S.
Identifiers: ClinVar variation 5022982 (VCV005022982.1).

ClinVar aggregate classification (germline): Uncertain significance (1 of 4 stars; one submission).

Conditions:
Cardiovascular phenotype. Identifiers: MedGen CN230736.

Submission:

Ambry Genetics
Classification: Uncertain significance for Cardiovascular phenotype. Last evaluated: 2026-07-26. Review status: criteria provided, single submitter. Criteria: Ambry Variant Classification Scheme 2023. Collection method: clinical testing. Allele origin: germline.
Comment: The p.N691S variant (also known as c.2072A>G), located in coding exon 8 of the KCNH2 gene, results from an A to G substitution at nucleotide position 2072. The asparagine at codon 691 is replaced by serine, an amino acid with highly similar properties. This amino acid position is conserved. In addition, the in silico prediction for this alteration is inconclusive. Based on the available evidence, the clinical significance of this variant remains unclear.